The following is an entry in ClinVar:

ClinVar aggregate classification (germline): Conflicting classifications of pathogenicity. Review status: criteria provided, conflicting classifications (1 of 4 stars). 6 submissions from 6 submitters: Uncertain significance (1); Benign (1); Likely benign (3). 1 of the submissions does not count toward it. Last evaluated 2026-01-19.

Conditions:
CACNA1C-related disorder. Also called: CACNA1C-related disorders; CACNA1C-related condition. Identifiers: MedGen CN381092, MONDO:0700321.
Cardiovascular phenotype. Identifiers: MedGen CN230736.
Long QT syndrome (LQTS). Identifiers: MedGen C0023976, MeSH D008133, MONDO:0002442. Disease mechanism: loss of function. Inheritance: Various modes of inheritance.

Allele frequency attached by ClinVar (database versions not stated): gnomAD 0.00019; gnomAD exomes 0.00019 and 0.00018; ExAC 0.00038; ESP Exome Variant Server 0.00033; TOPMed 0.00022.
gnomAD v4.1: 309 of 1,608,514 alleles (0.019%); highest among the groups gnomAD compares: Non-Finnish European, 0.024%; no homozygotes.

Submissions (6):

Labcorp Genetics (formerly Invitae), Labcorp
Classification: Likely benign for Long QT syndrome. Last evaluated: 2026-01-19. Review status: criteria provided, single submitter. Criteria: Invitae Variant Classification Sherloc (09022015). Collection method: clinical testing. Allele origin: germline.

Blueprint Genetics
Classification: Likely benign. Last evaluated: 2024-11-26. Review status: criteria provided, single submitter. Criteria: ACMG Guidelines, 2015. Collection method: clinical testing. Allele origin: germline.

Ambry Genetics
Classification: Likely benign for Cardiovascular phenotype. Last evaluated: 2018-01-26. Review status: criteria provided, single submitter. Criteria: Ambry Variant Classification Scheme 2023. Collection method: clinical testing. Allele origin: germline.

Eurofins Ntd Llc (ga)
Classification: Uncertain significance. Last evaluated: 2016-03-31. Review status: criteria provided, single submitter. Criteria: EGL Classification Definitions 2015. Collection method: clinical testing. Allele origin: germline. Observed: 1 variant allele, 1 heterozygote.

GeneDx
Classification: Benign. Last evaluated: 2015-03-03. Review status: criteria provided, single submitter. Criteria: GeneDx Variant Classification Process June 2021. Collection method: clinical testing. Allele origin: germline. Affected: yes.

PreventionGenetics, part of Exact Sciences
Classification: Likely benign for CACNA1C-related condition. Last evaluated: 2024-02-23. Review status: no assertion criteria provided. Collection method: clinical testing. Allele origin: germline. Not counted in ClinVar's aggregate classification.
Comment: This variant is classified as likely benign based on ACMG/AMP sequence variant interpretation guidelines (Richards et al. 2015 PMID: 25741868, with internal and published modifications).

NM_000719.7(CACNA1C):c.2391G>A (p.Gly797=)

Gene: CACNA1C (calcium voltage-gated channel subunit alpha1 C; plus strand). Cytogenetic location: 12p13.33.
Variant type: single nucleotide variant.
Coding change: c.2391G>A on transcript NM_000719.7 (MANE Select); coding-DNA position 2391, G replaced by A.
Protein change: p.Gly797=; no amino-acid change (glycine 797 retained).
Molecular consequence: synonymous variant.
Genome position (GRCh38, 1-based): chr12:2,585,427, G>A. VCF-style: chr12-2585427-G-A. GRCh37 (hg19) VCF-style: chr12-2694593-G-A.
Other names: c.2391G>A, p.Gly797= (NM_001129827.2, NM_001129829.2, NM_001129830.3 and 18 more transcripts); c.2382G>A, p.Gly794= (NM_001129844.2).
Identifiers: ClinVar variation 286500 (VCV000286500.36), dbSNP rs374857905, ClinGen allele CA6388959.